The following is an entry in ClinVar:

ClinVar aggregate classification (germline): Uncertain significance. Review status: criteria provided, multiple submitters, no conflicts (2 of 4 stars). 12 submissions from 12 submitters: Uncertain significance (11). 1 of the submissions does not count toward it. Last evaluated 2026-01-10.

Conditions:
Hereditary nonpolyposis colorectal neoplasms. Identifiers: MedGen C0009405, MeSH D003123.
Breast and/or ovarian cancer. Identifiers: MedGen CN221562.
Hereditary cancer-predisposing syndrome. Also called: Hereditary neoplastic syndrome; Hereditary Cancer Syndrome; Neoplastic Syndromes, Hereditary; Tumor predisposition. Identifiers: Orphanet 140162, MedGen C0027672, MeSH D009386, MONDO:0015356.
Lynch syndrome. Identifiers: Orphanet 144, MedGen C4552100, MONDO:0005835. Disease mechanism: loss of function.
Lynch syndrome 4 (LYNCH4). Also called: Colorectal cancer, hereditary nonpolyposis, type 4; Hereditary non-polyposis colorectal cancer, type 4. Identifiers: Orphanet 144, MedGen C1838333, MONDO:0013699, OMIM 614337. Disease mechanism: loss of function.

Allele frequency attached by ClinVar (database versions not stated): gnomAD exomes 0.00001; ExAC 0.00002.

Submissions (12):

Labcorp Genetics (formerly Invitae), Labcorp
Classification: Uncertain significance for Hereditary nonpolyposis colorectal neoplasms. Last evaluated: 2026-01-10. Review status: criteria provided, single submitter. Criteria: Invitae Variant Classification Sherloc (09022015). Collection method: clinical testing. Allele origin: germline.
Comment: This sequence change replaces isoleucine, which is neutral and non-polar, with threonine, which is neutral and polar, at codon 679 of the PMS2 protein (p.Ile679Thr). The frequency data for this variant in the population databases (gnomAD) is considered unreliable due to the presence of homologous sequence, such as pseudogenes or paralogs, in the genome. This missense change has been observed in individual(s) with clinical features of PMS2-related conditions (PMID: 26437257, 28874130, 37534630). ClinVar contains an entry for this variant (Variation ID: 229989). Invitae Evidence Modeling incorporating data from in vitro experimental studies (internal data) indicates that this missense variant is not expected to disrupt PMS2 function with a negative predictive value of 95%. In summary, the available evidence is currently insufficient to determine the role of this variant in disease. Therefore, it has been classified as a Variant of Uncertain Significance.

Women's Health and Genetics/Laboratory Corporation of America, LabCorp
Classification: Uncertain significance. Last evaluated: 2025-10-07. Review status: criteria provided, single submitter. Criteria: LabCorp Variant Classification Summary - May 2015. Collection method: clinical testing. Allele origin: germline.
Comment: Variant summary: PMS2 c.2036T>C (p.Ile679Thr) results in a non-conservative amino acid change in the encoded protein sequence. Algorithms developed to predict the effect of missense changes on protein structure and function all suggest that this variant is likely to be disruptive. The variant allele was found at a frequency of 5e-06 in 200150 control chromosomes. The available data on variant occurrences in the general population are insufficient to allow any conclusion about variant significance. c.2036T>C has been observed in individual(s) affected with suspected Lynch Syndrome (Carneiro da Silva_2015, Rossi_2017). These report(s) do not provide unequivocal conclusions about association of the variant with Hereditary Nonpolyposis Colorectal Cancer. To our knowledge, no experimental evidence demonstrating an impact on protein function has been reported. The following publications have been ascertained in the context of this evaluation (PMID: 26437257, 28874130). ClinVar contains an entry for this variant (Variation ID: 229989). Based on the evidence outlined above, the variant was classified as uncertain significance.

Center for Genomic Medicine, Rigshospitalet, Copenhagen University Hospital
Classification: Uncertain significance. Last evaluated: 2025-03-04. Review status: criteria provided, single submitter. Criteria: ACMG Guidelines, 2015. Collection method: clinical testing. Allele origin: germline.

Ambry Genetics
Classification: Uncertain significance for Hereditary cancer-predisposing syndrome. Last evaluated: 2024-08-21. Review status: criteria provided, single submitter. Criteria: Ambry Variant Classification Scheme 2023. Collection method: clinical testing. Allele origin: germline.
Comment: The p.I679T variant (also known as c.2036T>C), located in coding exon 12 of the PMS2 gene, results from a T to C substitution at nucleotide position 2036. The isoleucine at codon 679 is replaced by threonine, an amino acid with similar properties. This amino acid position is not well conserved in available vertebrate species. In addition, this alteration is predicted to be deleterious by in silico analysis. Based on the available evidence, the clinical significance of this variant remains unclear.

Quest Diagnostics Nichols Institute San Juan Capistrano
Classification: Uncertain significance. Last evaluated: 2024-07-04. Review status: criteria provided, single submitter. Criteria: Quest Diagnostics criteria. Collection method: clinical testing. Allele origin: unknown.
Comment: The PMS2 c.2036T>C (p.Ile679Thr) variant has been reported in the published literature in an individual with colon cancer (PMID: 26437257 (2015)). In a large scale breast cancer association study, this variant has been reported in an individual affected with breast cancer as well as a reportedly healthy individual (PMID: 33471991 (2021), see also LOVD). The frequency of this variant in the general population, 0.000005 (1/200150 chromosomes (Genome Aggregation Database)), is uninformative in the assessment of its pathogenicity. Analysis of this variant using bioinformatics tools for the prediction of the effect of amino acid changes on protein structure and function yielded predictions that this variant is damaging. Based on the available information, we are unable to determine the clinical significance of this variant.

Color Diagnostics, LLC DBA Color Health
Classification: Uncertain significance for Hereditary cancer-predisposing syndrome. Last evaluated: 2024-06-13. Review status: criteria provided, single submitter. Criteria: ACMG Guidelines, 2015. Collection method: clinical testing. Allele origin: germline.
Comment: This missense variant replaces isoleucine with threonine at codon 679 of the PMS2 protein. Computational prediction suggests that this variant may have deleterious impact on protein structure and function (internally defined REVEL score threshold >= 0.7, PMID: 27666373). To our knowledge, functional studies have not been reported for this variant. This variant has been reported in an individual with early onset colorectal cancer whose tumor displayed proficient mismatch repair activity via immunohistochemistry analysis (PMID: 26437257, 28874130). This variant has been identified in 1/200150 chromosomes in the general population by the Genome Aggregation Database (gnomAD). The available evidence is insufficient to determine the role of this variant in disease conclusively. Therefore, this variant is classified as a Variant of Uncertain Significance.

Baylor Genetics
Classification: Uncertain significance for Lynch syndrome 4. Last evaluated: 2023-12-25. Review status: criteria provided, single submitter. Criteria: ACMG Guidelines, 2015. Collection method: clinical testing. Allele origin: unknown.

Department of Pathology and Laboratory Medicine, Sinai Health System
Classification: Uncertain significance for Lynch syndrome. Last evaluated: 2023-07-31. Review status: criteria provided, single submitter. Criteria: ACMG Guidelines, 2015. Collection method: clinical testing. Allele origin: germline. Affected: yes.

Myriad Genetics, Inc.
Classification: Uncertain significance for Lynch syndrome 4. Last evaluated: 2023-04-04. Review status: criteria provided, single submitter. Criteria: Myriad Autosomal Dominant, Autosomal Recessive and X-Linked Classification Criteria (2023). Collection method: clinical testing. Allele origin: unknown.
Comment: This variant is classified as a variant of uncertain significance as there is insufficient evidence to determine its impact on protein function and/or cancer risk.

GeneDx
Classification: Uncertain significance. Last evaluated: 2022-07-11. Review status: criteria provided, single submitter. Criteria: GeneDx Variant Classification Process June 2021. Collection method: clinical testing. Allele origin: germline. Affected: yes.
Comment: Not observed at significant frequency in large population cohorts (gnomAD); In silico analysis supports that this missense variant has a deleterious effect on protein structure/function; Observed in an individual with colorectal cancer whose tumor revealed normal mismatch repair immunohistochemistry (Carneiro da Silva et al., 2015); This variant is associated with the following publications: (PMID: 26437257, 28874130)

CHEO Genetics Diagnostic Laboratory, Children's Hospital of Eastern Ontario
Classification: Uncertain significance for Breast and/or ovarian cancer. Last evaluated: 2021-04-22. Review status: criteria provided, single submitter. Criteria: ACMG Guidelines, 2015. Collection method: clinical testing. Allele origin: germline.

Counsyl
Classification: Uncertain significance for Lynch syndrome 4. Last evaluated: 2017-07-07. Review status: no assertion criteria provided. Collection method: clinical testing. Allele origin: unknown. Not counted in ClinVar's aggregate classification.

Literature cited by the submitters: PubMed 26437257 (cited by 8 submitters); PubMed 28874130 (cited by 4 submitters); PubMed 37534630 (cited by Labcorp Genetics (formerly Invitae), Labcorp); PubMed 33471991 (cited by Quest Diagnostics Nichols Institute San Juan Capistrano).

NM_000535.7(PMS2):c.2036T>C (p.Ile679Thr)

Gene: PMS2 (PMS1 homolog 2, mismatch repair system component; minus strand). Cytogenetic location: 7p22.1.
Variant type: single nucleotide variant.
Coding change: c.2036T>C on transcript NM_000535.7 (MANE Select); coding-DNA position 2036, T replaced by C.
Protein change: p.Ile679Thr; replaces isoleucine 679 with threonine.
Molecular consequence: missense variant. On other transcripts: non-coding transcript variant (1).
Genome position (GRCh38, 1-based): chr7:5,982,962, A>G on the plus strand (T>C on the coding strand, the complement: PMS2 is on the minus strand). VCF-style: chr7-5982962-A-G. GRCh37 (hg19) VCF-style: chr7-6022593-A-G.
Other names: c.1631T>C, p.Ile544Thr (NM_001322003.2, NM_001322004.2, NM_001322005.2 and 1 more transcripts); c.1880T>C, p.Ile627Thr (NM_001322006.2); c.1718T>C, p.Ile573Thr (NM_001322007.2, NM_001322008.2); c.1475T>C, p.Ile492Thr (NM_001322010.2); c.1103T>C, p.Ile368Thr (NM_001322011.2, NM_001322012.2); c.1463T>C, p.Ile488Thr (NM_001322013.2); c.2036T>C, p.Ile679Thr (NM_001322014.2); c.1727T>C, p.Ile576Thr (NM_001322015.2); and 1 more; short protein forms I679T, I488T, I573T, I627T, I368T, I492T, I544T, I576T.
Identifiers: ClinVar variation 229989 (VCV000229989.26), dbSNP rs778251286, ClinGen allele CA046467.